The following is an entry in ClinVar:

NM_022765.4(MICAL1):c.304G>C (p.Glu102Gln)

Gene: MICAL1 (microtubule associated monooxygenase, calponin and LIM domain containing 1; minus strand). Cytogenetic location: 6q21.
Variant type: single nucleotide variant.
Coding change: c.304G>C on transcript NM_022765.4 (MANE Select); coding-DNA position 304, G replaced by C.
Protein change: p.Glu102Gln; replaces glutamic acid 102 with glutamine.
Molecular consequence: missense variant.
Genome position (GRCh38, 1-based): chr6:109,453,800, C>G on the plus strand (G>C on the coding strand, the complement: MICAL1 is on the minus strand). VCF-style: chr6-109453800-C-G. GRCh37 (hg19) VCF-style: chr6-109775003-C-G.
Other names: c.304G>C, p.Glu102Gln (NM_001159291.2); c.361G>C, p.Glu121Gln (NM_001286613.2); short protein forms E102Q, E121Q.
Identifiers: ClinVar variation 2965064 (VCV002965064.3), dbSNP rs750535997, ClinGen allele CA3953823.
Genomic context (GRCh38, chr6:109,453,800, plus strand): 5'-GGCGAGAGAACTTGGTGCGCTTTTCCACCAGCACCACTCGGGCCCCCAGCAGCGCCAGCT[C>G]CACAGCGACCCGCAGCCCGCAAGGTCCAGCACCCACCACCAGGCACTGTGAACACACAGG-3'
Protein context (NP_073602.3, residues 92-112): AGPCGLRVAV[Glu102Gln]LALLGARVVL

ClinVar aggregate classification (germline): Uncertain significance (1 of 4 stars; one submission).

Allele frequency attached by ClinVar (database versions not stated): gnomAD 0.00001; gnomAD exomes 0.00001; TOPMed 0.00001; ExAC 0.00002.
gnomAD v4.1: 10 of 1,613,628 alleles (0.00062%); highest among the groups gnomAD compares: Admixed American, 0.0083%; no homozygotes.

Submission:

Labcorp Genetics (formerly Invitae), Labcorp
Classification: Uncertain significance. Last evaluated: 2023-10-17. Review status: criteria provided, single submitter. Criteria: Invitae Variant Classification Sherloc (09022015). Collection method: clinical testing. Allele origin: germline.
Comment: This sequence change replaces glutamic acid, which is acidic and polar, with glutamine, which is neutral and polar, at codon 121 of the MICAL1 protein (p.Glu121Gln). This variant is present in population databases (rs750535997, gnomAD 0.009%). This variant has not been reported in the literature in individuals affected with MICAL1-related conditions. An algorithm developed to predict the effect of missense changes on protein structure and function (PolyPhen-2) suggests that this variant is likely to be disruptive. In summary, the available evidence is currently insufficient to determine the role of this variant in disease. Therefore, it has been classified as a Variant of Uncertain Significance.